The following is an entry in ClinVar:

ClinVar aggregate classification (germline): Benign/Likely benign. Review status: criteria provided, multiple submitters, no conflicts (2 of 4 stars). 3 submissions from 3 submitters: Benign (1); Likely benign (2). Last evaluated 2026-07-01.

Conditions:
Sessile serrated polyposis cancer syndrome (SSPCS). Identifiers: Orphanet 157798, MedGen C4310714, MONDO:0014919, OMIM 617108.

Allele frequency attached by ClinVar (database versions not stated): gnomAD exomes below 0.00001.
gnomAD v4.1: 4 of 1,589,984 alleles (0.00025%); highest among the groups gnomAD compares: Middle Eastern, 0.033%; no homozygotes.

Submissions (3):

Myriad Genetics, Inc.
Classification: Benign for Sessile serrated polyposis cancer syndrome. Last evaluated: 2026-07-01. Review status: criteria provided, single submitter. Criteria: Myriad Autosomal Dominant, Autosomal Recessive and X-Linked Classification Criteria (2023). Collection method: clinical testing. Allele origin: unknown.
Comment: This variant is considered benign. This variant is a silent/synonymous amino acid change and it is not expected to impact splicing.

Ambry Genetics
Classification: Likely benign. Last evaluated: 2024-11-20. Review status: criteria provided, single submitter. Criteria: Ambry Variant Classification Scheme 2023. Collection method: clinical testing. Allele origin: germline.

Labcorp Genetics (formerly Invitae), Labcorp
Classification: Likely benign. Last evaluated: 2024-01-19. Review status: criteria provided, single submitter. Criteria: Invitae Variant Classification Sherloc (09022015). Collection method: clinical testing. Allele origin: germline.

NM_017763.6(RNF43):c.1185T>C (p.His395=)

Gene: RNF43 (ring finger protein 43; minus strand). Cytogenetic location: 17q22.
Variant type: single nucleotide variant.
Coding change: c.1185T>C on transcript NM_017763.6 (MANE Select); coding-DNA position 1185, T replaced by C.
Protein change: p.His395=; no amino-acid change (histidine 395 retained).
Molecular consequence: synonymous variant.
Genome position (GRCh38, 1-based): chr17:58,358,591, A>G on the plus strand (T>C on the coding strand, the complement: RNF43 is on the minus strand). VCF-style: chr17-58358591-A-G. GRCh37 (hg19) VCF-style: chr17-56435952-A-G.
Other names: c.1185T>C, p.His395= (NM_001305544.3); c.804T>C, p.His268= (NM_001305545.2).
Identifiers: ClinVar variation 1646318 (VCV001646318.10), dbSNP rs981456911, ClinGen allele CA292012830.